The following is an entry in ClinVar:

ClinVar aggregate classification (germline): Uncertain significance. Review status: criteria provided, multiple submitters, no conflicts (2 of 4 stars). 11 submissions from 11 submitters: Uncertain significance (10). 1 of the submissions does not count toward it. Last evaluated 2026-07-02.

Conditions:
Congenital myopathy with fiber type disproportion. Also called: Congenital fiber-type disproportion myopathy; Congenital fiber-type disproportion. Identifiers: Orphanet 2020, MedGen C0546264, MONDO:0009711. Inheritance: all.
Central core myopathy (CMYO1A). Also called: CONGENITAL MYOPATHY 1A, AUTOSOMAL DOMINANT, WITH SUSCEPTIBILITY TO MALIGNANT HYPERTHERMIA; Central core disease; Myopathy, central fibrillar. Identifiers: Orphanet 597, MedGen C5830701, MONDO:0007294, OMIM 117000.
King Denborough syndrome (KDS). Identifiers: MedGen C1840365, MONDO:0020485, OMIM 619542.
Congenital multicore myopathy with external ophthalmoplegia (CMYO1B). Also called: Minicore myopathy with external ophthalmoplegia; Congenital myopathy 1B, autosomal recessive; Minicore myopathy; MULTICORE MYOPATHY; MULTIMINICORE DISEASE WITH EXTERNAL OPHTHALMOPLEGIA. Identifiers: Orphanet 598, Orphanet 98905, MedGen C1850674, MONDO:0009712, OMIM 255320, HP:0003789.
Malignant hyperthermia, susceptibility to, 1 (MHS1). Also called: Malignant hyperthermia suceptibility 1; Anesthesia related hyperthermia; Malignant hyperpyrexia; Fulminating hyperpyrexia; Pharmacogenic myopathy; RYR1-Related Malignant Hyperthermia Susceptibility. Identifiers: Orphanet 423, MedGen C2930980, MONDO:0007783, OMIM 145600.
RYR1-related disorder. Also called: RYR1-related disorders; RYR1-related condition. Identifiers: MedGen CN239331.
Inborn genetic diseases. Identifiers: MedGen C0950123, MeSH D030342.

Allele frequency attached by ClinVar (database versions not stated): gnomAD 0.00004; TOPMed 0.00006; gnomAD exomes 0.00011; ExAC 0.00018.
gnomAD v4.1: 177 of 1,547,654 alleles (0.011%); highest among the groups gnomAD compares: Middle Eastern, 0.035%; no homozygotes.

Submissions (11):

Ambry Genetics
Classification: Uncertain significance for Inborn genetic diseases. Last evaluated: 2026-07-02. Review status: criteria provided, single submitter. Criteria: Ambry Variant Classification Scheme 2023. Collection method: clinical testing. Allele origin: germline.
Comment: The p.A1370T variant (also known as c.4108G>A), located in coding exon 28 of the RYR1 gene, results from a G to A substitution at nucleotide position 4108. The alanine at codon 1370 is replaced by threonine, an amino acid with similar properties. This amino acid position is conserved. In addition, this alteration is predicted to be tolerated by in silico analysis. Based on the available evidence, the clinical significance of this variant remains unclear.

Labcorp Genetics (formerly Invitae), Labcorp
Classification: Uncertain significance for RYR1-related disorder. Last evaluated: 2026-01-20. Review status: criteria provided, single submitter. Criteria: Invitae Variant Classification Sherloc (09022015). Collection method: clinical testing. Allele origin: germline.
Comment: This sequence change replaces alanine, which is neutral and non-polar, with threonine, which is neutral and polar, at codon 1370 of the RYR1 protein (p.Ala1370Thr). This variant is present in population databases (rs766147636, gnomAD 0.02%). This variant has not been reported in the literature in individuals affected with RYR1-related conditions. ClinVar contains an entry for this variant (Variation ID: 478228). Invitae Evidence Modeling of protein sequence and biophysical properties (such as structural, functional, and spatial information, amino acid conservation, physicochemical variation, residue mobility, and thermodynamic stability) indicates that this missense variant is not expected to disrupt RYR1 protein function with a negative predictive value of 95%. In summary, the available evidence is currently insufficient to determine the role of this variant in disease. Therefore, it has been classified as a Variant of Uncertain Significance.

Color Diagnostics, LLC DBA Color Health
Classification: Uncertain significance for Malignant hyperthermia, susceptibility to, 1. Last evaluated: 2025-12-26. Review status: criteria provided, single submitter. Criteria: ACMG Guidelines, 2015. Collection method: clinical testing. Allele origin: germline.
Comment: This missense variant replaces alanine with threonine at codon 1370 of the RYR1 protein. Computational prediction suggests that this variant may not impact protein structure and function. To our knowledge, functional studies have not been reported for this variant. This variant has not been reported in individuals affected with malignant hyperthermia in the literature. This variant has been identified in 18/172470 chromosomes in the general population by the Genome Aggregation Database (gnomAD). The available evidence is insufficient to determine the role of this variant in disease conclusively. Therefore, this variant is classified as a Variant of Uncertain Significance.

GeneDx
Classification: Uncertain significance. Last evaluated: 2024-12-04. Review status: criteria provided, single submitter. Criteria: GeneDx Variant Classification Process June 2021. Collection method: clinical testing. Allele origin: germline. Affected: yes.
Comment: In silico analysis indicates that this missense variant does not alter protein structure/function; Has not been previously published as pathogenic or benign to our knowledge

Blueprint Genetics
Classification: Uncertain significance. Last evaluated: 2024-08-27. Review status: criteria provided, single submitter. Criteria: ACMG Guidelines, 2015. Collection method: clinical testing. Allele origin: germline.

All of Us Research Program, National Institutes of Health
Classification: Uncertain significance for Malignant hyperthermia, susceptibility to, 1. Last evaluated: 2024-07-20. Review status: criteria provided, single submitter. Criteria: ACMG Guidelines, 2015. Collection method: clinical testing. Allele origin: germline. Inheritance: Autosomal dominant inheritance. Observed: 17 variant alleles, 17 heterozygotes.
Comment: This missense variant replaces alanine with threonine at codon 1370 of the RYR1 protein. Computational prediction suggests that this variant may not impact protein structure and function (internally defined REVEL score threshold <= 0.5, PMID: 27666373). To our knowledge, functional studies have not been reported for this variant. This variant has not been reported in individuals affected with malignant hyperthermia in the literature. This variant has been identified in 18/172470 chromosomes in the general population by the Genome Aggregation Database (gnomAD). The available evidence is insufficient to determine the role of this variant in disease conclusively. Therefore, this variant is classified as a Variant of Uncertain Significance.

This study involves interpretation of variants in research participants for the purpose of population health screening. Participant phenotype was not available at the time of variant classification. Additional details can be found in publication PMID: 35346344, PMCID: PMC8962531

Revvity Omics, Revvity
Classification: Uncertain significance. Last evaluated: 2024-02-13. Review status: criteria provided, single submitter. Criteria: ACMG Guidelines, 2015. Collection method: clinical testing. Allele origin: germline.

CeGaT Center for Human Genetics Tuebingen
Classification: Uncertain significance. Last evaluated: 2023-01-01. Review status: criteria provided, single submitter. Criteria: CeGaT Center For Human Genetics Tuebingen Variant Classification Criteria Version 2. Collection method: clinical testing. Allele origin: germline. Affected: yes. Observed: 4 variant alleles.

Institute for Clinical Genetics, University Hospital TU Dresden, University Hospital TU Dresden
Classification: Uncertain significance. Last evaluated: 2021-11-03. Review status: criteria provided, single submitter. Criteria: ACMG Guidelines, 2015. Collection method: clinical testing. Allele origin: germline.

Fulgent Genetics
Classification: Uncertain significance for Central core myopathy; Malignant hyperthermia, susceptibility to, 1; Congenital myopathy 4A, autosomal dominant; Congenital multicore myopathy with external ophthalmoplegia; King Denborough syndrome. Last evaluated: 2021-09-03. Review status: criteria provided, single submitter. Criteria: ACMG Guidelines, 2015. Collection method: clinical testing. Allele origin: unknown.

PreventionGenetics, part of Exact Sciences
Classification: Uncertain significance for RYR1-related condition. Last evaluated: 2024-06-11. Review status: no assertion criteria provided. Collection method: clinical testing. Allele origin: germline. Not counted in ClinVar's aggregate classification.
Comment: The RYR1 c.4108G>A variant is predicted to result in the amino acid substitution p.Ala1370Thr. To our knowledge, this variant has not been reported in the literature. This variant is reported in 0.020% of alleles in individuals of European (non-Finnish) descent in gnomAD. At this time, the clinical significance of this variant is uncertain due to the absence of conclusive functional and genetic evidence.

NM_000540.3(RYR1):c.4108G>A (p.Ala1370Thr)

Gene: RYR1 (ryanodine receptor 1; plus strand). Cytogenetic location: 19q13.2.
Variant type: single nucleotide variant.
Coding change: c.4108G>A on transcript NM_000540.3 (MANE Select); coding-DNA position 4108, G replaced by A.
Protein change: p.Ala1370Thr; replaces alanine 1370 with threonine.
Molecular consequence: missense variant.
Genome position (GRCh38, 1-based): chr19:38,473,719, G>A. VCF-style: chr19-38473719-G-A. GRCh37 (hg19) VCF-style: chr19-38964359-G-A.
Other names: c.4108G>A, p.Ala1370Thr (NM_001042723.2); short protein forms A1370T.
Identifiers: ClinVar variation 478228 (VCV000478228.60), dbSNP rs766147636, ClinGen allele CA065561.
Genomic context (GRCh38, chr19:38,473,719, plus strand): 5'-GGGACTGCGAAGGAGGGCGCCCCCGGGGGCACCCCGCAGGCGGGGGGAGAGGCGCAGCCC[G>A]CCAGGGCGGAGAATGAGAAGGATGCCACCACCGAGAAGAACAAGAAGAGAGGGTGAGTCG-3'
Protein context (NP_000531.2, residues 1360-1380): TPQAGGEAQP[Ala1370Thr]RAENEKDATT